The following is an entry in ClinVar:

ClinVar aggregate classification (germline): Pathogenic. Review status: criteria provided, multiple submitters, no conflicts (2 of 4 stars). 2 submissions from 2 submitters: Pathogenic (2). Last evaluated 2025-05-30.

Conditions:
Biotin-responsive basal ganglia disease (BTBGD). Also called: Thiamine metabolism dysfunction syndrome type 2; Thiamine metabolism dysfunction syndrome 2 (biotin- or thiamine-responsive encephalopathy type 2); thiamine-responsive encephalopathy; Thiamine Transporter-2 Deficiency; THIAMINE METABOLISM DYSFUNCTION SYNDROME 2 (BIOTIN- AND THIAMINE-RESPONSIVE TYPE). Identifiers: Orphanet 199348, Orphanet 65284, MedGen C1843807, MONDO:0011841, OMIM 607483.

Submissions (2):

Myriad Genetics, Inc.
Classification: Pathogenic for Biotin-responsive basal ganglia disease. Last evaluated: 2025-05-30. Review status: criteria provided, single submitter. Criteria: Myriad Autosomal Dominant, Autosomal Recessive and X-Linked Classification Criteria (2023). Collection method: clinical testing. Allele origin: unknown.
Comment: NM_025243.3(SLC19A3):c.597delT(H200Mfs*8) is a frameshift variant classified as pathogenic in the context of biotin-thiamine-responsive basal ganglia disease. H200Mfs*8 has not been observed in cases with relevant disease. Relevant functional assessments of this variant are not available in the literature. H200Mfs*8 has been observed in referenced population frequency databases. In summary, NM_025243.3(SLC19A3):c.597delT(H200Mfs*8) is a frameshift variant in a gene where loss of function is a known mechanism of disease and is predicted to disrupt protein function. Please note: this variant was assessed in the context of healthy population screening.

Labcorp Genetics (formerly Invitae), Labcorp
Classification: Pathogenic for Biotin-responsive basal ganglia disease. Last evaluated: 2024-06-13. Review status: criteria provided, single submitter. Criteria: Invitae Variant Classification Sherloc (09022015). Collection method: clinical testing. Allele origin: germline.
Comment: This sequence change creates a premature translational stop signal (p.His200Metfs*8) in the SLC19A3 gene. It is expected to result in an absent or disrupted protein product. Loss-of-function variants in SLC19A3 are known to be pathogenic (PMID: 23423671, 23482991). This variant is present in population databases (rs773140674, gnomAD 0.007%). This variant has not been reported in the literature in individuals affected with SLC19A3-related conditions. For these reasons, this variant has been classified as Pathogenic.

Literature cited by the submitters: PubMed 23423671 (cited by Labcorp Genetics (formerly Invitae), Labcorp); PubMed 23482991 (cited by Labcorp Genetics (formerly Invitae), Labcorp).

NM_025243.4(SLC19A3):c.597del (p.His200fs)

Gene: SLC19A3 (solute carrier family 19 member 3; minus strand). Cytogenetic location: 2q36.3.
Variant type: Deletion.
Coding change: c.597del on transcript NM_025243.4 (MANE Select); coding-DNA position 597, one base deleted (T; older notation c.597delT).
Protein change: p.His200fs; shifts the reading frame from histidine 200.
Molecular consequence: frameshift variant.
Genome position (GRCh38, 1-based): chr2:227,699,118, A deleted on the plus strand (T on the coding strand, the reverse complement: SLC19A3 is on the minus strand); the first of 6 consecutive A bases (chr2:227,699,118-227,699,123); deleting any one gives the same sequence. VCF-style (leftmost placement, unchanged base first): chr2-227699117-GA-G. GRCh37 (hg19) VCF-style: chr2-228563833-GA-G.
Other names: c.597del, p.His200fs (NM_001371411.1, NM_001371412.1); c.585del, p.His196fs (NM_001371413.1, NM_001371414.1); short protein forms H200fs, H196fs.
Identifiers: ClinVar variation 2917962 (VCV002917962.4), dbSNP rs773140674, ClinGen allele CA2149264.